The following is an entry in ClinVar:

ClinVar aggregate classification (germline): Pathogenic. Review status: criteria provided, multiple submitters, no conflicts (2 of 4 stars). 2 submissions from 2 submitters: Pathogenic (2). Last evaluated 2024-07-04.

Conditions:
Polycystic kidney disease, adult type (PKD1). Also called: Polycystic Kidney, Autosomal Dominant; Polycystic Kidney Disease 1, Autosomal Dominant; Polycystic kidney disease 1; Polycystic kidney disease 1, severe; POLYCYSTIC KIDNEY DISEASE, ADULT, TYPE I; POLYCYSTIC KIDNEY DISEASE 1 WITH OR WITHOUT POLYCYSTIC LIVER DISEASE. Identifiers: MedGen C3149841, MONDO:0008263, OMIM 173900.

Submissions (2):

3billion
Classification: Pathogenic for Polycystic kidney disease, adult type. Last evaluated: 2024-07-04. Review status: criteria provided, single submitter. Criteria: ACMG Guidelines, 2015. Collection method: clinical testing. Allele origin: germline. Affected: yes.
Comment: The variant is not observed in the gnomAD v4.0.0 dataset. Predicted Consequence/Location: Frameshift: predicted to result in a loss or disruption of normal protein function through nonsense-mediated decay (NMD) or protein truncation. Multiple pathogenic variants are reported downstream of the variant. The variant has been reported to be associated with PKD1 related disorder (ClinVar ID: VCV002683942). Therefore, this variant is classified as Pathogenic according to the recommendation of ACMG/AMP guideline.

MVZ Martinsried, Medicover Genetics
Classification: Pathogenic for Polycystic kidney disease, adult type. Last evaluated: 2023-04-03. Review status: criteria provided, single submitter. Criteria: ACGS Guidelines, 2020. Collection method: clinical testing. Allele origin: unknown. Affected: yes.

NM_001009944.3(PKD1):c.13_16dup (p.Pro6fs)

Gene: PKD1 (polycystin 1, transient receptor potential channel interacting; minus strand). Cytogenetic location: 16p13.3.
Variant type: Microsatellite.
Coding change: c.13_16dup on transcript NM_001009944.3 (MANE Select); coding-DNA positions 13 to 16, 4 bases duplicated (GCGC; older notation c.13_16dupGCGC).
Protein change: p.Pro6fs; shifts the reading frame from proline 6.
Molecular consequence: frameshift variant.
Genome position (GRCh38, 1-based): chr16:2,135,674-2,135,677, GCGC duplicated on the plus strand (GCGC on the coding strand, the reverse complement: PKD1 is on the minus strand); duplicating any 4 consecutive bases within chr16:2,135,674-2,135,678 gives the same sequence; the c. name uses the placement nearest the transcript's 3' end. VCF-style (leftmost placement, unchanged base first): chr16-2135673-G-GGCGC. GRCh37 (hg19) VCF-style: chr16-2185674-G-GGCGC.
Other names: c.13_16dup, p.Pro6fs (NM_000296.4); short protein forms P6fs.
Identifiers: ClinVar variation 2683942 (VCV002683942.2), dbSNP rs2544960791, ClinGen allele CA2697549642.